The following is an entry in ClinVar:

NM_001384140.1(PCDH15):c.2717C>T (p.Pro906Leu)

Gene: PCDH15 (protocadherin related 15; minus strand). Cytogenetic location: 10q21.1.
Variant type: single nucleotide variant.
Coding change: c.2717C>T on transcript NM_001384140.1 (MANE Select); coding-DNA position 2717, C replaced by T.
Protein change: p.Pro906Leu; replaces proline 906 with leucine.
Molecular consequence: missense variant.
Genome position (GRCh38, 1-based): chr10:54,020,226, G>A on the plus strand (C>T on the coding strand, the complement: PCDH15 is on the minus strand). VCF-style: chr10-54020226-G-A. GRCh37 (hg19) VCF-style: chr10-55779986-G-A.
Other names: c.2732C>T, p.Pro911Leu (NM_001142763.2, NM_001142771.2); c.2717C>T, p.Pro906Leu (NM_001142764.2, NM_001142766.2, NM_001142770.3 and 5 more transcripts); c.2504C>T, p.Pro835Leu (NM_001142765.2); c.2606C>T, p.Pro869Leu (NM_001142767.2); c.2651C>T, p.Pro884Leu (NM_001142768.2, NM_001142773.2, NM_001354404.2); c.2753C>T, p.Pro918Leu (NM_001142769.4); c.2738C>T, p.Pro913Leu (NM_001354411.2); short protein forms P906L, P913L, P835L, P869L, P884L, P911L, P918L.
Identifiers: ClinVar variation 46455 (VCV000046455.15), dbSNP rs374205826, ClinGen allele CA138394.

ClinVar aggregate classification (germline): Uncertain significance. Review status: criteria provided, multiple submitters, no conflicts (2 of 4 stars). 7 submissions from 7 submitters: Uncertain significance (5). 2 of the submissions do not count toward it. Last evaluated 2026-09-16.

Conditions:
PCDH15-related disorder. Also called: PCDH15-related disorders; PCDH15-related condition.
Inborn genetic diseases. Identifiers: MedGen C0950123, MeSH D030342.
Usher syndrome type 1F (USH1F). Also called: USHER SYNDROME, TYPE IF. Identifiers: Orphanet 231169, Orphanet 886, MedGen C1865885, MONDO:0011186, OMIM 602083.

Allele frequency attached by ClinVar (database versions not stated): ExAC 0.00002; gnomAD 0.00003 and 0.00004; TOPMed 0.00003; gnomAD exomes 0.00005 and 0.00009; ESP Exome Variant Server 0.00008.

Submissions (7):

PreventionGenetics, part of Exact Sciences
Classification: Uncertain significance for PCDH15-related condition. Last evaluated: 2026-09-16. Review status: criteria provided, single submitter. Criteria: ACMG Guidelines, 2015. Collection method: clinical testing. Allele origin: germline.
Comment: The PCDH15 c.2717C>T variant is predicted to result in the amino acid substitution p.Pro906Leu. This variant was reported along with second PCDH15 variant in an individual with retinal dystrophy (Table S3, Mihalich et al. 2024. PubMed ID: 38927702). This variant is reported in 0.0097% of alleles in individuals of European (Non-Finnish) descent in gnomAD. At this time, the clinical significance of this variant is uncertain due to the absence of conclusive functional and genetic evidence.

GeneDx
Classification: Uncertain significance. Last evaluated: 2024-09-11. Review status: criteria provided, single submitter. Criteria: GeneDx Variant Classification Process June 2021. Collection method: clinical testing. Allele origin: germline. Affected: yes.
Comment: In silico analysis supports that this missense variant has a deleterious effect on protein structure/function; Has not been previously published as pathogenic or benign to our knowledge; This variant is associated with the following publications: (PMID: 15537665)

Ambry Genetics
Classification: Uncertain significance for Inborn genetic diseases. Last evaluated: 2024-03-15. Review status: criteria provided, single submitter. Criteria: Ambry Variant Classification Scheme 2023. Collection method: clinical testing. Allele origin: germline.

Labcorp Genetics (formerly Invitae), Labcorp
Classification: Uncertain significance. Last evaluated: 2023-12-11. Review status: criteria provided, single submitter. Criteria: Invitae Variant Classification Sherloc (09022015). Collection method: clinical testing. Allele origin: germline.
Comment: This sequence change replaces proline, which is neutral and non-polar, with leucine, which is neutral and non-polar, at codon 906 of the PCDH15 protein (p.Pro906Leu). This variant is present in population databases (rs374205826, gnomAD 0.01%). This variant has not been reported in the literature in individuals affected with PCDH15-related conditions. ClinVar contains an entry for this variant (Variation ID: 46455). Advanced modeling of protein sequence and biophysical properties (such as structural, functional, and spatial information, amino acid conservation, physicochemical variation, residue mobility, and thermodynamic stability) performed at Invitae indicates that this missense variant is not expected to disrupt PCDH15 protein function with a negative predictive value of 80%. In summary, the available evidence is currently insufficient to determine the role of this variant in disease. Therefore, it has been classified as a Variant of Uncertain Significance.

Laboratory for Molecular Medicine, Mass General Brigham Personalized Medicine
Classification: Uncertain significance. Last evaluated: 2016-12-04. Review status: criteria provided, single submitter. Criteria: LMM Criteria. Collection method: clinical testing. Allele origin: germline. Observed: 3 variant alleles.
Comment: Variant classified as Uncertain Significance - Favor Benign. The p.Pro906Leu var iant in PCDH15 has been identified by our laboratory in 2 individuals with heari ng loss. This variant has also been identified in 11/111752 European chromosomes by the Genome Aggregation Database (gnomAD; db SNP rs374205826), though this frequency is not high enough to rule out a pathoge nic role. Computational prediction tools and conservation analyses do not provid e strong support for or against an impact to the protein. In summary, while the clinical significance of the p.Pro906Leu variant is uncertain, these data sugges t that it is more likely to be benign.

Natera, Inc.
Classification: Uncertain significance for Usher syndrome type 1F. Last evaluated: 2020-02-10. Review status: no assertion criteria provided. Collection method: clinical testing. Allele origin: germline. Not counted in ClinVar's aggregate classification.

Counsyl
Classification: Uncertain significance for Usher syndrome type 1F. Last evaluated: 2017-02-16. Review status: no assertion criteria provided. Collection method: clinical testing. Allele origin: unknown. Not counted in ClinVar's aggregate classification.